The following is an entry in ClinVar:

NM_001165963.4(SCN1A):c.5731A>G (p.Lys1911Glu)

Genes: SCN1A (sodium voltage-gated channel alpha subunit 1; minus strand), LOC102724058 (uncharacterized LOC102724058; plus strand). Cytogenetic location: 2q24.3.
Variant type: single nucleotide variant.
Coding change: c.5731A>G on transcript NM_001165963.4 (MANE Select); coding-DNA position 5731, A replaced by G.
Protein change: p.Lys1911Glu; replaces lysine 1911 with glutamic acid.
Molecular consequence: missense variant. On other transcripts: non-coding transcript variant (1).
Genome position (GRCh38, 1-based): chr2:165,991,544, T>C on the plus strand (A>G on the coding strand, the complement: SCN1A is on the minus strand). VCF-style: chr2-165991544-T-C. GRCh37 (hg19) VCF-style: chr2-166848054-T-C.
Other names: c.5647A>G, p.Lys1883Glu (NM_001165964.3, NM_001353957.2, NM_001353958.2); c.5731A>G, p.Lys1911Glu (NM_001202435.3, NM_001353948.2); c.5698A>G, p.Lys1900Glu (NM_001353949.2, NM_001353950.2, NM_001353951.2 and 2 more transcripts); c.5695A>G, p.Lys1899Glu (NM_001353954.2, NM_001353955.2); c.5644A>G, p.Lys1882Glu (NM_001353960.2); c.3289A>G, p.Lys1097Glu (NM_001353961.2); short protein forms K1911E, K1097E, K1899E, K1882E, K1883E, K1900E.
Identifiers: ClinVar variation 1351535 (VCV001351535.9), dbSNP rs1553519896, ClinGen allele CA349064444.
Genomic context (GRCh38, chr2:165,991,544, plus strand): 5'-AAAGGTGGCGTCTGTAAGCACGCTGAATAATGACAGCAGATACTTCCTCTTGTTTTCGTT[T>C]TAAAGTAGTAGTGATTGGCTGATAGGAGACCTTGGAAGGATTGGAAGCCATGAATCGCTC-3'
Protein context (NP_001159435.1, residues 1901-1921): VSYQPITTTL[Lys1911Glu]RKQEEVSAVI

ClinVar aggregate classification (germline): Uncertain significance (1 of 4 stars; one submission).

Conditions:
Early-infantile DEE. Also called: Early infantile epileptic encephalopathy; Early infantile epileptic encephalopathy with suppression bursts; Ohtahara syndrome. Identifiers: Orphanet 1934, MedGen C0393706, MONDO:0800491.

Submission:

Labcorp Genetics (formerly Invitae), Labcorp
Classification: Uncertain significance for Early-infantile DEE. Last evaluated: 2024-03-05. Review status: criteria provided, single submitter. Criteria: Invitae Variant Classification Sherloc (09022015). Collection method: clinical testing. Allele origin: germline.
Comment: This sequence change replaces lysine, which is basic and polar, with glutamic acid, which is acidic and polar, at codon 1911 of the SCN1A protein (p.Lys1911Glu). This variant is not present in population databases (gnomAD no frequency). This variant has not been reported in the literature in individuals affected with SCN1A-related conditions. ClinVar contains an entry for this variant (Variation ID: 1351535). Advanced modeling of protein sequence and biophysical properties (such as structural, functional, and spatial information, amino acid conservation, physicochemical variation, residue mobility, and thermodynamic stability) has been performed at Invitae for this missense variant, however the output from this modeling did not meet the statistical confidence thresholds required to predict the impact of this variant on SCN1A protein function. In summary, the available evidence is currently insufficient to determine the role of this variant in disease. Therefore, it has been classified as a Variant of Uncertain Significance.